The following is an entry in ClinVar:

ClinVar aggregate classification (germline): Uncertain significance (1 of 4 stars; one submission).

Submission:

Medical Genetic Center, Changzhi Maternal and Child Health Care Hospital
Classification: Uncertain significance. Last evaluated: 2025-12-10. Review status: criteria provided, single submitter. Criteria: ACMG/ClinGen CNV Guidelines, 2019. Collection method: clinical testing. Allele origin: unknown.
Comment: 1A(0)+3A(0):GATA6(HI=3 but TS=0)

GRCh38/hg38 18q11.1-11.2(chr18:20941323-25682993)x3

Genes: ABHD3 (abhydrolase domain containing 3, phospholipase; minus strand), ANKRD29 (ankyrin repeat domain 29; minus strand), CABLES1 (Cdk5 and Abl enzyme substrate 1; plus strand), CABYR (calcium binding tyrosine phosphorylation regulated; plus strand), CTAGE1 (cutaneous T cell lymphoma-associated antigen 1; minus strand) and 146 more. Cytogenetic location: 18q11.1-11.2.
Variant type: copy number gain.
Change: copy number 3 (three copies instead of two) of chr18:20,941,323-25,682,993 (4.74 Mb, GRCh38 coordinates, 1-based), cytogenetic band 18q11.1-11.2.
Identifiers: ClinVar variation 4796457 (VCV004796457.1).